The following is an entry in ClinVar:

ClinVar aggregate classification (germline): Likely benign. Review status: criteria provided, multiple submitters, no conflicts (2 of 4 stars). 2 submissions from 2 submitters: Likely benign (2). Last evaluated 2018-01-13.

Conditions:
Legius syndrome. Identifiers: Orphanet 137605, MedGen C1969623, MONDO:0012669, OMIM 611431. Disease mechanism: loss of function.

Allele frequency attached by ClinVar (database versions not stated): gnomAD 0.00001 and 0.00019; TOPMed 0.00003; 1000 Genomes Project 0.00120; 1000 Genomes Project 30x 0.00125.

Submissions (2):

Illumina Laboratory Services, Illumina
Classification: Likely benign for Legius syndrome. Last evaluated: 2018-01-13. Review status: criteria provided, single submitter. Criteria: ICSL Variant Classification Criteria 13 December 2019. Collection method: clinical testing. Allele origin: germline.
Comment: This variant was observed in the ICSL laboratory as part of a predisposition screen in an ostensibly healthy population. It had not been previously curated by ICSL or reported in the Human Gene Mutation Database (HGMD: prior to June 1st, 2018), and was therefore a candidate for classification through an automated scoring system. Utilizing variant allele frequency, disease prevalence and penetrance estimates, and inheritance mode, an automated score was calculated to assess if this variant is too frequent to cause the disease. Based on the score and internal cut-off values, a variant classified as likely benign is not then subjected to further curation. The score for this variant resulted in a classification of likely benign for this disease.

Breakthrough Genomics
Classification: Likely benign. Review status: criteria provided, single submitter. Criteria: ACMG Guidelines, 2015. Collection method: not provided. Allele origin: germline. Inheritance: Autosomal dominant inheritance. Affected: yes.

NM_152594.3(SPRED1):c.*5202C>T

Gene: SPRED1 (sprouty related EVH1 domain containing 1; plus strand). Cytogenetic location: 15q14.
Variant type: single nucleotide variant.
Coding change: c.*5202C>T on transcript NM_152594.3 (MANE Select); 5202 bases downstream of the stop codon, C replaced by T.
Molecular consequence: 3 prime UTR variant.
Genome position (GRCh38, 1-based): chr15:38,356,866, C>T. VCF-style: chr15-38356866-C-T. GRCh37 (hg19) VCF-style: chr15-38649067-C-T.
Identifiers: ClinVar variation 315790 (VCV000315790.6), dbSNP rs541213700, ClinGen allele CA10646911.